The following is an entry in ClinVar:

ClinVar aggregate classification (germline): Uncertain significance (1 of 4 stars; one submission).

Submission:

Ambry Genetics
Classification: Uncertain significance. Last evaluated: 2021-10-07. Review status: criteria provided, single submitter. Criteria: Ambry Variant Classification Scheme 2023. Collection method: clinical testing. Allele origin: germline.
Comment: The p.K2221R variant (also known as c.6662A>G), located in coding exon 50 of the PRKDC gene, results from an A to G substitution at nucleotide position 6662. The lysine at codon 2221 is replaced by arginine, an amino acid with highly similar properties. This amino acid position is conserved. Since supporting evidence is limited at this time, the clinical significance of this alteration remains unclear.

NM_006904.7(PRKDC):c.6662A>G (p.Lys2221Arg)

Gene: PRKDC (protein kinase, DNA-activated, catalytic subunit; minus strand). Cytogenetic location: 8q11.21.
Variant type: single nucleotide variant.
Coding change: c.6662A>G on transcript NM_006904.7 (MANE Select); coding-DNA position 6662, A replaced by G.
Protein change: p.Lys2221Arg; replaces lysine 2221 with arginine.
Molecular consequence: missense variant.
Genome position (GRCh38, 1-based): chr8:47,855,321, T>C on the plus strand (A>G on the coding strand, the complement: PRKDC is on the minus strand). VCF-style: chr8-47855321-T-C. GRCh37 (hg19) VCF-style: chr8-48767882-T-C.
Other names: c.6662A>G, p.Lys2221Arg (NM_001081640.2); short protein forms K2221R.
Identifiers: ClinVar variation 1754741 (VCV001754741.2), dbSNP rs2551869491, ClinGen allele CA371159582.